The following is an entry in ClinVar:

ClinVar aggregate classification (germline): Benign/Likely benign. Review status: criteria provided, multiple submitters, no conflicts (2 of 4 stars). 4 submissions from 4 submitters: Benign (1); Likely benign (3). Last evaluated 2026-03-02.

Conditions:
Hereditary cancer-predisposing syndrome. Also called: Neoplastic Syndromes, Hereditary; Tumor predisposition; Hereditary Cancer Syndrome; Hereditary neoplastic syndrome. Identifiers: Orphanet 140162, MedGen C0027672, MeSH D009386, MONDO:0015356.
CTNNA1-related disorder. Also called: CTNNA1-related condition.
Hereditary diffuse gastric adenocarcinoma (HDGC). Also called: DIFFUSE GASTRIC AND LOBULAR BREAST CANCER SYNDROME. Identifiers: Orphanet 26106, MedGen C1708349, MONDO:0007648, OMIM 137215.

Allele frequency attached by ClinVar (database versions not stated): gnomAD 0.00001; TOPMed 0.00002; ExAC 0.00003; ESP Exome Variant Server 0.00008.
gnomAD v4.1: 10 of 1,611,334 alleles (0.00062%); highest among the groups gnomAD compares: Non-Finnish European, 0.00085%; no homozygotes.

Submissions (4):

PreventionGenetics, part of Exact Sciences
Classification: Likely benign for CTNNA1-related condition. Last evaluated: 2026-03-02. Review status: criteria provided, single submitter. Criteria: ACMG Guidelines, 2015. Collection method: clinical testing. Allele origin: germline.
Comment: This variant is classified as likely benign based on ACMG/AMP sequence variant interpretation guidelines (Richards et al. 2015 PMID: 25741868, with internal and published modifications).

Labcorp Genetics (formerly Invitae), Labcorp
Classification: Likely benign. Last evaluated: 2025-12-16. Review status: criteria provided, single submitter. Criteria: Invitae Variant Classification Sherloc (09022015). Collection method: clinical testing. Allele origin: germline.

Myriad Genetics, Inc.
Classification: Benign for Hereditary diffuse gastric adenocarcinoma. Last evaluated: 2024-10-14. Review status: criteria provided, single submitter. Criteria: Myriad Autosomal Dominant, Autosomal Recessive and X-Linked Classification Criteria (2023). Collection method: clinical testing. Allele origin: unknown.
Comment: This variant is considered benign. This variant is a silent/synonymous amino acid change and it is not expected to impact splicing.

Ambry Genetics
Classification: Likely benign for Hereditary cancer-predisposing syndrome. Last evaluated: 2020-09-09. Review status: criteria provided, single submitter. Criteria: Ambry Variant Classification Scheme 2023. Collection method: clinical testing. Allele origin: germline.

NM_001903.5(CTNNA1):c.1974A>G (p.Thr658=)

Gene: CTNNA1 (catenin alpha 1; plus strand). Cytogenetic location: 5q31.2.
Variant type: single nucleotide variant.
Coding change: c.1974A>G on transcript NM_001903.5 (MANE Select); coding-DNA position 1974, A replaced by G.
Protein change: p.Thr658=; no amino-acid change (threonine 658 retained).
Molecular consequence: synonymous variant.
Genome position (GRCh38, 1-based): chr5:138,929,320, A>G. VCF-style: chr5-138929320-A-G. GRCh37 (hg19) VCF-style: chr5-138265009-A-G.
Other names: c.1974A>G, p.Thr658= (NM_001290307.3, NM_001323982.2, NM_001323983.1 and 2 more transcripts); c.1665A>G, p.Thr555= (NM_001290309.3); c.1605A>G, p.Thr535= (NM_001290310.3); c.864A>G, p.Thr288= (NM_001290312.1, NM_001323987.1, NM_001323988.1 and 17 more transcripts); c.1881A>G, p.Thr627= (NM_001323986.2); c.525A>G, p.Thr175= (NM_001324006.1, NM_001324007.1, NM_001324008.1 and 2 more transcripts); c.771A>G, p.Thr257= (NM_001324011.1); c.621A>G, p.Thr207= (NM_001324012.1, NM_001324013.1); and 1 more.
Identifiers: ClinVar variation 699452 (VCV000699452.15), dbSNP rs372570632, ClinGen allele CA3432078.
Genomic context (GRCh38, chr5:138,929,320, plus strand): 5'-GGATGACTCTGACTTTGAGACAGAAGATTTTGATGTCAGAAGCAGGACGAGCGTCCAGAC[A>G]GAAGACGATCAGCTGATAGCTGGCCAGAGTGCCCGGGTAAGGAAGCGCTCCGTGGGGCAG-3'
Protein context (NP_001894.2, residues 648-668): FDVRSRTSVQ[Thr658=]EDDQLIAGQS